The following is an entry in ClinVar:

NM_006231.4(POLE):c.1762G>A (p.Val588Met)

Gene: POLE (DNA polymerase epsilon, catalytic subunit; minus strand). Cytogenetic location: 12q24.33.
Variant type: single nucleotide variant.
Coding change: c.1762G>A on transcript NM_006231.4 (MANE Select); coding-DNA position 1762, G replaced by A.
Protein change: p.Val588Met; replaces valine 588 with methionine.
Molecular consequence: missense variant.
Genome position (GRCh38, 1-based): chr12:132,672,247, C>T on the plus strand (G>A on the coding strand, the complement: POLE is on the minus strand). VCF-style: chr12-132672247-C-T. GRCh37 (hg19) VCF-style: chr12-133248833-C-T.
Other names: short protein forms V588M.
Identifiers: ClinVar variation 4862248 (VCV004862248.1).

ClinVar aggregate classification (germline): Uncertain significance (1 of 4 stars; one submission).

Conditions:
Hereditary cancer-predisposing syndrome. Also called: Neoplastic Syndromes, Hereditary; Tumor predisposition; Hereditary Cancer Syndrome; Hereditary neoplastic syndrome. Identifiers: Orphanet 140162, MedGen C0027672, MeSH D009386, MONDO:0015356.

Submission:

Ambry Genetics
Classification: Uncertain significance for Hereditary cancer-predisposing syndrome. Last evaluated: 2026-03-22. Review status: criteria provided, single submitter. Criteria: Ambry Variant Classification Scheme 2023. Collection method: clinical testing. Allele origin: germline.
Comment: The p.V588M variant (also known as c.1762G>A), located in coding exon 16 of the POLE gene, results from a G to A substitution at nucleotide position 1762. The valine at codon 588 is replaced by methionine, an amino acid with highly similar properties. This amino acid position is conserved. In addition, this alteration is predicted to be tolerated by in silico analysis. Based on the available evidence, the clinical significance of this variant remains unclear.